The following is an entry in ClinVar:

NM_002734.5(PRKAR1A):c.534T>G (p.Asp178Glu)

Gene: PRKAR1A (protein kinase cAMP-dependent type I regulatory subunit alpha; plus strand). Cytogenetic location: 17q24.2.
Variant type: single nucleotide variant.
Coding change: c.534T>G on transcript NM_002734.5 (MANE Select); coding-DNA position 534, T replaced by G.
Protein change: p.Asp178Glu; replaces aspartic acid 178 with glutamic acid.
Molecular consequence: missense variant.
Genome position (GRCh38, 1-based): chr17:68,524,943, T>G. VCF-style: chr17-68524943-T-G. GRCh37 (hg19) VCF-style: chr17-66521084-T-G.
Other names: c.534T>G, p.Asp178Glu (NM_001276289.2, NM_001276290.1, NM_001278433.2 and 4 more transcripts); short protein forms D178E.
Identifiers: ClinVar variation 968730 (VCV000968730.14), dbSNP rs2085739503, ClinGen allele CA400753002.

ClinVar aggregate classification (germline): Uncertain significance. Review status: criteria provided, multiple submitters, no conflicts (2 of 4 stars). 3 submissions from 3 submitters: Uncertain significance (2). 1 of the submissions does not count toward it. Last evaluated 2024-06-22.

Conditions:
Hereditary cancer-predisposing syndrome. Also called: Neoplastic Syndromes, Hereditary; Hereditary Cancer Syndrome; Tumor predisposition; Hereditary neoplastic syndrome. Identifiers: Orphanet 140162, MedGen C0027672, MeSH D009386, MONDO:0015356.
Carney complex, type 1 (CNC1). Also called: CARNEY COMPLEX, TYPE I; CARNEY MYXOMA-ENDOCRINE COMPLEX. Identifiers: Orphanet 1359, MedGen C2607929, MONDO:0008057, OMIM 160980.

gnomAD v4.1: 3 of 1,610,276 alleles (0.00019%); highest among the groups gnomAD compares: Non-Finnish European, 0.00025%; no homozygotes.

Submissions (3):

Ambry Genetics
Classification: Uncertain significance for Hereditary cancer-predisposing syndrome. Last evaluated: 2024-06-22. Review status: criteria provided, single submitter. Criteria: Ambry Variant Classification Scheme 2023. Collection method: clinical testing. Allele origin: germline.
Comment: The p.D178E variant (also known as c.534T>G), located in coding exon 5 of the PRKAR1A gene, results from a T to G substitution at nucleotide position 534. The aspartic acid at codon 178 is replaced by glutamic acid, an amino acid with highly similar properties. This amino acid position is highly conserved in available vertebrate species. In addition, this alteration is predicted to be deleterious by in silico analysis. Since supporting evidence is limited at this time, the clinical significance of this alteration remains unclear.

Labcorp Genetics (formerly Invitae), Labcorp
Classification: Uncertain significance for Carney complex, type 1. Last evaluated: 2022-10-13. Review status: criteria provided, single submitter. Criteria: Invitae Variant Classification Sherloc (09022015). Collection method: clinical testing. Allele origin: germline.
Comment: This sequence change replaces aspartic acid, which is acidic and polar, with glutamic acid, which is acidic and polar, at codon 178 of the PRKAR1A protein (p.Asp178Glu). This variant is not present in population databases (gnomAD no frequency). This variant has not been reported in the literature in individuals affected with PRKAR1A-related conditions. ClinVar contains an entry for this variant (Variation ID: 968730). Advanced modeling performed at Invitae incorporating data from internal and/or published experimental studies (Invitae) indicates that this missense variant is expected to disrupt PRKAR1A function. In summary, the available evidence is currently insufficient to determine the role of this variant in disease. Therefore, it has been classified as a Variant of Uncertain Significance.

Department of Pathology and Laboratory Medicine, Sinai Health System
Classification: Uncertain significance. Review status: no assertion criteria provided. Collection method: clinical testing. Allele origin: unknown. Affected: yes. Study: The Canadian Open Genetics Repository (COGR). Not counted in ClinVar's aggregate classification.
Comment: The PRKAR1A p.Asp178Glu variant was not identified in the literature nor was it identified in dbSNP, ClinVar, Cosmic, LOVD 3.0 or in the following control databases: the 1000 Genomes Project, the NHLBI GO Exome Sequencing Project, the Exome Aggregation Consortium (August 8th 2016), or the Genome Aggregation Database (Feb 27, 2017). The p.Asp178 residue is conserved in mammals and computational analyses (PolyPhen-2, SIFT, AlignGVGD, BLOSUM, MutationTaster) provide inconsistent predictions regarding the impact to the protein; this information is not very predictive of pathogenicity. The variant occurs outside of the splicing consensus sequence and two of four in silico or computational prediction software programs (SpliceSiteFinder, MaxEntScan, NNSPLICE, GeneSplicer) predict a greater than 10% difference in splicing; this is not very predictive of pathogenicity. In summary, based on the above information the clinical significance of this variant cannot be determined with certainty at this time. This variant is classified as a variant of uncertain significance.